The following is an entry in ClinVar:

NM_144498.4(OSBPL2):c.872+6T>G

Gene: OSBPL2 (oxysterol binding protein like 2; plus strand). Cytogenetic location: 20q13.33.
Variant type: single nucleotide variant.
Coding change: c.872+6T>G on transcript NM_144498.4 (MANE Select); 6 bases into the intron after coding-DNA position 872, T replaced by G.
Molecular consequence: intron variant.
Genome position (GRCh38, 1-based): chr20:62,281,885, T>G. VCF-style: chr20-62281885-T-G. GRCh37 (hg19) VCF-style: chr20-60856941-T-G.
Other names: c.596+6T>G (NM_001363878.2, NM_001278649.3); c.836+6T>G (NM_014835.5).
Identifiers: ClinVar variation 1433982 (VCV001433982.6), dbSNP rs1033918464, ClinGen allele CA317249569.

ClinVar aggregate classification (germline): Uncertain significance (1 of 4 stars; one submission).

Allele frequency attached by ClinVar (database versions not stated): gnomAD exomes below 0.00001; gnomAD 0.00007 and 0.00008; TOPMed 0.00015.
gnomAD v4.1: 17 of 1,600,378 alleles (0.0011%); highest among the groups gnomAD compares: Admixed American, 0.027%; no homozygotes.

Submission:

Labcorp Genetics (formerly Invitae), Labcorp
Classification: Uncertain significance. Last evaluated: 2025-07-14. Review status: criteria provided, single submitter. Criteria: Invitae Variant Classification Sherloc (09022015). Collection method: clinical testing. Allele origin: germline.
Comment: This sequence change falls in intron 9 of the OSBPL2 gene. It does not directly change the encoded amino acid sequence of the OSBPL2 protein. It affects a nucleotide within the consensus splice site. This variant is present in population databases (no rsID available, gnomAD 0.01%). This variant has not been reported in the literature in individuals affected with OSBPL2-related conditions. This variant has been observed in at least one individual who was not affected with OSBPL2-related conditions (internal data). ClinVar contains an entry for this variant (Variation ID: 1433982). Variants that disrupt the consensus splice site are a relatively common cause of aberrant splicing (PMID: 17576681, 9536098). Algorithms developed to predict the effect of sequence changes on RNA splicing suggest that this variant may disrupt the consensus splice site. In summary, the available evidence is currently insufficient to determine the role of this variant in disease. Therefore, it has been classified as a Variant of Uncertain Significance.

Literature cited by the submitters: PubMed 17576681; PubMed 9536098.